The following is an entry in ClinVar:

NM_001197104.2(KMT2A):c.9356A>G (p.Glu3119Gly)

Gene: KMT2A (lysine methyltransferase 2A; plus strand). Cytogenetic location: 11q23.3.
Variant type: single nucleotide variant.
Coding change: c.9356A>G on transcript NM_001197104.2 (MANE Select); coding-DNA position 9356, A replaced by G.
Protein change: p.Glu3119Gly; replaces glutamic acid 3119 with glycine.
Molecular consequence: missense variant.
Genome position (GRCh38, 1-based): chr11:118,505,248, A>G. VCF-style: chr11-118505248-A-G. GRCh37 (hg19) VCF-style: chr11-118375963-A-G.
Other names: c.9446A>G, p.Glu3149Gly (NM_001412597.1); c.9347A>G, p.Glu3116Gly (NM_005933.4); short protein forms E3149G, E3119G, E3116G.
Identifiers: ClinVar variation 5007791 (VCV005007791.2).

ClinVar aggregate classification (germline): Uncertain significance (1 of 4 stars; one submission).

Conditions:
Wiedemann-Steiner syndrome (WDSTS). Also called: Growth deficiency and mental retardation with facial dysmorphism. Identifiers: Orphanet 319182, MedGen C1854630, MONDO:0011518, OMIM 605130.

Submission:

Juno Genomics, Hangzhou Juno Genomics, Inc
Classification: Uncertain significance for Wiedemann-Steiner syndrome. Review status: criteria provided, single submitter. Criteria: ACMG Guidelines, 2015. Collection method: clinical testing. Allele origin: germline.
Comment: Absent from controls (or at extremely low frequency if recessive) in Genome Aggregation Database.;Missense variant in a gene that has a low rate of benign missense variation.